The following is an entry in ClinVar:

ClinVar aggregate classification (germline): Uncertain significance (1 of 4 stars; one submission).

Conditions:
Tuberous sclerosis 2 (TSC2). Identifiers: Orphanet 805, MedGen C1860707, MONDO:0013199, OMIM 613254.

Submission:

Labcorp Genetics (formerly Invitae), Labcorp
Classification: Uncertain significance for Tuberous sclerosis 2. Last evaluated: 2024-10-02. Review status: criteria provided, single submitter. Criteria: Invitae Variant Classification Sherloc (09022015). Collection method: clinical testing. Allele origin: germline.
Comment: This sequence change replaces proline, which is neutral and non-polar, with alanine, which is neutral and non-polar, at codon 1145 of the TSC2 protein (p.Pro1145Ala). This variant is not present in population databases (gnomAD no frequency). This variant has not been reported in the literature in individuals affected with TSC2-related conditions. Invitae Evidence Modeling of protein sequence and biophysical properties (such as structural, functional, and spatial information, amino acid conservation, physicochemical variation, residue mobility, and thermodynamic stability) indicates that this missense variant is not expected to disrupt TSC2 protein function with a negative predictive value of 95%. In summary, the available evidence is currently insufficient to determine the role of this variant in disease. Therefore, it has been classified as a Variant of Uncertain Significance.

NM_000548.5(TSC2):c.3433C>G (p.Pro1145Ala)

Gene: TSC2 (TSC complex subunit 2; plus strand). Cytogenetic location: 16p13.3.
Variant type: single nucleotide variant.
Coding change: c.3433C>G on transcript NM_000548.5 (MANE Select); coding-DNA position 3433, C replaced by G.
Protein change: p.Pro1145Ala; replaces proline 1145 with alanine.
Molecular consequence: missense variant. On other transcripts: non-coding transcript variant (5).
Genome position (GRCh38, 1-based): chr16:2,080,200, C>G. VCF-style: chr16-2080200-C-G. GRCh37 (hg19) VCF-style: chr16-2130201-C-G.
Other names: c.3301C>G, p.Pro1101Ala (NM_001077183.3, NM_001370404.1, NM_001406665.1); c.3433C>G, p.Pro1145Ala (NM_001114382.3); c.3193C>G, p.Pro1065Ala (NM_001318827.2); c.3157C>G, p.Pro1053Ala (NM_001318829.2); c.2701C>G, p.Pro901Ala (NM_001318831.2, NM_001406687.1, NM_001406688.1); c.3334C>G, p.Pro1112Ala (NM_001318832.2); c.3304C>G, p.Pro1102Ala (NM_001363528.2, NM_001370405.1, NM_021055.3); c.3430C>G, p.Pro1144Ala (NM_001406663.1, NM_001406664.1); and 18 more; short protein forms P1065A, P1102A, P654A, P697A, P1064A, P1095A, P1096A, P1098A.
Identifiers: ClinVar variation 3637220 (VCV003637220.2).